The following is an entry in ClinVar:

NM_014989.7(RIMS1):c.1679-20589C>T

Gene: RIMS1 (regulating synaptic membrane exocytosis 1; plus strand). Cytogenetic location: 6q13.
Variant type: single nucleotide variant.
Coding change: c.1679-20589C>T on transcript NM_014989.7 (MANE Select); 20589 bases into the intron before coding-DNA position 1679, C replaced by T.
Molecular consequence: intron variant. On other transcripts: missense variant (40), 5 prime UTR variant (7).
Genome position (GRCh38, 1-based): chr6:72,213,184, C>T. VCF-style: chr6-72213184-C-T. GRCh37 (hg19) VCF-style: chr6-72922887-C-T.
Other names: c.62C>T, p.Ser21Phe (NM_001350456.2, NM_001350457.2, NM_001350458.2 and 37 more transcripts); c.-96C>T (NM_001350459.2, NM_001350421.2, NM_001350424.2 and 4 more transcripts); short protein forms S21F.
Identifiers: ClinVar variation 1805699 (VCV001805699.1), dbSNP rs983573019, ClinGen allele CA141421020.
Genomic context (GRCh38, chr6:72,213,184, plus strand): 5'-TGTGTGCACCTGGGATTCATGTCTCTTCAGAAGGGTGGGAAGAAGTGAGGTCTGTTGATT[C>T]CGAAGAGGGAACAATTGAAGCTCGACGAGCAGTTGCTGGTAAGCAATAGATAATGGTAAT-3'

ClinVar aggregate classification (germline): Uncertain significance (1 of 4 stars; one submission).

Conditions:
Cone-rod dystrophy 7 (CORD7). Identifiers: Orphanet 1872, MedGen C1863634, MONDO:0011355, OMIM 603649.

Submission:

Victorian Clinical Genetics Services, Murdoch Childrens Research Institute
Classification: Uncertain significance for Cone-rod dystrophy 7. Last evaluated: 2019-08-28. Review status: criteria provided, single submitter. Criteria: ACMG Guidelines, 2015. Collection method: clinical testing. Allele origin: germline. Inheritance: Autosomal dominant inheritance. Affected: yes.
Comment: A heterozygous missense variant was identified, NM_001168408.1(RIMS1):c.62C>T in exon 1 of 21 of the RIMS1 gene. This substitution is predicted to create a major amino acid change from serine to phenylalanine at position 21 of the protein, NP_001161880.1(RIMS1):p.(Ser21Phe). The serine at this position has low conservation (100 vertebrates, UCSC), and is not situated in a known functional domain. In silico software predictions of the pathogenicity of this variant are conflicting (PolyPhen, SIFT, CADD, MutationTaster). The variant is not present in the gnomAD population database. The variant has not previously been reported in clinical cases. Based on information available at the time of curation, this variant has been classified as a VARIANT of UNCERTAIN SIGNIFICANCE (VUS).